The following is an entry in ClinVar:

ClinVar aggregate classification (germline): Uncertain significance (1 of 4 stars; one submission).

Conditions:
Tumor predisposition syndrome 3 (TPDS3). Also called: Melanoma, cutaneous malignant, susceptibility to, 10; Glioma susceptibility 9; LONG TELOMERE SYNDROME, POT1-RELATED; POT1 Tumor Predisposition. Identifiers: Orphanet 618, MedGen C4014476, MONDO:0014368, OMIM 615848.

Submission:

Labcorp Genetics (formerly Invitae), Labcorp
Classification: Uncertain significance for Tumor predisposition syndrome 3. Last evaluated: 2022-11-15. Review status: criteria provided, single submitter. Criteria: Invitae Variant Classification Sherloc (09022015). Collection method: clinical testing. Allele origin: germline.
Comment: In summary, the available evidence is currently insufficient to determine the role of this variant in disease. Therefore, it has been classified as a Variant of Uncertain Significance. Advanced modeling of protein sequence and biophysical properties (such as structural, functional, and spatial information, amino acid conservation, physicochemical variation, residue mobility, and thermodynamic stability) performed at Invitae indicates that this missense variant is not expected to disrupt POT1 protein function. ClinVar contains an entry for this variant (Variation ID: 1043655). This variant has not been reported in the literature in individuals affected with POT1-related conditions. This variant is not present in population databases (gnomAD no frequency). This sequence change replaces leucine, which is neutral and non-polar, with arginine, which is basic and polar, at codon 151 of the POT1 protein (p.Leu151Arg).

NM_015450.3(POT1):c.452T>G (p.Leu151Arg)

Gene: POT1 (protection of telomeres 1; minus strand). Cytogenetic location: 7q31.33.
Variant type: single nucleotide variant.
Coding change: c.452T>G on transcript NM_015450.3 (MANE Select); coding-DNA position 452, T replaced by G.
Protein change: p.Leu151Arg; replaces leucine 151 with arginine.
Molecular consequence: missense variant. On other transcripts: non-coding transcript variant (3).
Genome position (GRCh38, 1-based): chr7:124,863,444, A>C on the plus strand (T>G on the coding strand, the complement: POT1 is on the minus strand). VCF-style: chr7-124863444-A-C. GRCh37 (hg19) VCF-style: chr7-124503498-A-C.
Other names: c.59T>G, p.Leu20Arg (NM_001042594.2); short protein forms L151R, L20R.
Identifiers: ClinVar variation 1043655 (VCV001043655.9), dbSNP rs1795647226, ClinGen allele CA369059190.